The following is an entry in ClinVar:

NM_002474.3(MYH11):c.2860-5C>T

Gene: MYH11 (myosin heavy chain 11; minus strand). Cytogenetic location: 16p13.11.
Variant type: single nucleotide variant.
Coding change: c.2860-5C>T on transcript NM_002474.3 (MANE Select); 5 bases into the intron before coding-DNA position 2860, C replaced by T.
Molecular consequence: intron variant.
Genome position (GRCh38, 1-based): chr16:15,740,193, G>A on the plus strand (C>T on the coding strand, the complement: MYH11 is on the minus strand). VCF-style: chr16-15740193-G-A. GRCh37 (hg19) VCF-style: chr16-15834050-G-A.
Other names: c.2860-5C>T (NM_022844.3); c.2881-5C>T (NM_001040114.2, NM_001040113.2).
Identifiers: ClinVar variation 534169 (VCV000534169.13), dbSNP rs1223452979, ClinGen allele CA658798553.

ClinVar aggregate classification (germline): Conflicting classifications of pathogenicity. Review status: criteria provided, conflicting classifications (1 of 4 stars). 3 submissions from 3 submitters: Uncertain significance (1); Likely benign (2). Last evaluated 2025-11-23.

Conditions:
Familial thoracic aortic aneurysm and aortic dissection (TAAD). Also called: Thoracic aortic aneurysms and dissections. Identifiers: Orphanet 91387, MedGen C4707243, MONDO:0019625.
Aortic aneurysm, familial thoracic 4 (AAT4). Also called: AORTIC ANEURYSM/AORTIC DISSECTION AND PATENT DUCTUS ARTERIOSUS. Identifiers: MedGen C1851504, MONDO:0007568, OMIM 132900.

Allele frequency attached by ClinVar (database versions not stated): TOPMed 0.00001.
gnomAD v4.1: 5 of 1,614,052 alleles (0.00031%); highest among the groups gnomAD compares: Non-Finnish European, 0.000085%; no homozygotes.

Submissions (3):

Labcorp Genetics (formerly Invitae), Labcorp
Classification: Likely benign for Aortic aneurysm, familial thoracic 4. Last evaluated: 2025-11-23. Review status: criteria provided, single submitter. Criteria: Invitae Variant Classification Sherloc (09022015). Collection method: clinical testing. Allele origin: germline.

Color Diagnostics, LLC DBA Color Health
Classification: Likely benign for Familial thoracic aortic aneurysm and aortic dissection. Last evaluated: 2023-10-16. Review status: criteria provided, single submitter. Criteria: ACMG Guidelines, 2015. Collection method: clinical testing. Allele origin: germline.

Ambry Genetics
Classification: Uncertain significance for Familial thoracic aortic aneurysm and aortic dissection. Last evaluated: 2023-06-22. Review status: criteria provided, single submitter. Criteria: Ambry Variant Classification Scheme 2023. Collection method: clinical testing. Allele origin: germline.
Comment: The c.2860-5C>T intronic variant results from a C to T substitution 5 nucleotides upstream from coding exon 22 in the MYH11 gene. This nucleotide position is well conserved in available vertebrate species. In silico splice site analysis predicts that this alteration will not have any significant effect on splicing. Since supporting evidence is limited at this time, the clinical significance of this alteration remains unclear.